The following is an entry in ClinVar:

NM_004082.5(DCTN1):c.2804T>A (p.Ile935Asn)

Gene: DCTN1 (dynactin subunit 1; minus strand). Cytogenetic location: 2p13.1.
Variant type: single nucleotide variant.
Coding change: c.2804T>A on transcript NM_004082.5 (MANE Select); coding-DNA position 2804, T replaced by A.
Protein change: p.Ile935Asn; replaces isoleucine 935 with asparagine.
Molecular consequence: missense variant. On other transcripts: non-coding transcript variant (1).
Genome position (GRCh38, 1-based): chr2:74,365,975, A>T on the plus strand (T>A on the coding strand, the complement: DCTN1 is on the minus strand). VCF-style: chr2-74365975-A-T. GRCh37 (hg19) VCF-style: chr2-74593102-A-T.
Other names: c.2744T>A, p.Ile915Asn (NM_001135040.3); c.2402T>A, p.Ile801Asn (NM_001135041.3, NM_023019.4); c.2693T>A, p.Ile898Asn (NM_001190836.2); c.2783T>A, p.Ile928Asn (NM_001190837.2); c.2753T>A, p.Ile918Asn (NM_001378991.1); c.2735T>A, p.Ile912Asn (NM_001378992.1); short protein forms I898N, I918N, I935N, I801N, I912N, I915N, I928N.
Identifiers: ClinVar variation 4787926 (VCV004787926.1).

ClinVar aggregate classification (germline): Uncertain significance (1 of 4 stars; one submission).

Conditions:
Amyotrophic lateral sclerosis type 1 (ALS1). Also called: AMYOTROPHIC LATERAL SCLEROSIS 1, FAMILIAL. Identifiers: Orphanet 803, MedGen C1862939, MONDO:0007103, OMIM 105400.
Neuronopathy, distal hereditary motor, type 7B. Also called: HMN VIIB; LOWER MOTOR NEURON DISEASE, DYNACTIN TYPE; NEURONOPATHY, DISTAL HEREDITARY MOTOR, AUTOSOMAL DOMINANT 14; NEURONOPATHY, DISTAL HEREDITARY MOTOR, HARDING TYPE VIIB; NEUROPATHY, DISTAL HEREDITARY MOTOR, HARDING TYPE VIIB; NEUROPATHY, DISTAL HEREDITARY MOTOR, WITH VOCAL CORD PARALYSIS, HARDING TYPE VIIB. Identifiers: Orphanet 139589, MedGen C1843315, MONDO:0011879, OMIM 607641.
Perry syndrome. Also called: PARKINSONISM WITH ALVEOLAR HYPOVENTILATION AND MENTAL DEPRESSION. Identifiers: Orphanet 178509, MedGen C1868594, MONDO:0008201, OMIM 168605.

Submission:

Labcorp Genetics (formerly Invitae), Labcorp
Classification: Uncertain significance for Amyotrophic lateral sclerosis type 1; Neuronopathy, distal hereditary motor, type 7B; Perry syndrome. Last evaluated: 2025-06-27. Review status: criteria provided, single submitter. Criteria: Invitae Variant Classification Sherloc (09022015). Collection method: clinical testing. Allele origin: germline.
Comment: This sequence change replaces isoleucine, which is neutral and non-polar, with asparagine, which is neutral and polar, at codon 935 of the DCTN1 protein (p.Ile935Asn). This variant is not present in population databases (gnomAD no frequency). This variant has not been reported in the literature in individuals affected with DCTN1-related conditions. Invitae Evidence Modeling of protein sequence and biophysical properties (such as structural, functional, and spatial information, amino acid conservation, physicochemical variation, residue mobility, and thermodynamic stability) indicates that this missense variant is not expected to disrupt DCTN1 protein function with a negative predictive value of 95%. In summary, the available evidence is currently insufficient to determine the role of this variant in disease. Therefore, it has been classified as a Variant of Uncertain Significance.